The following is an entry in ClinVar:

NM_006904.7(PRKDC):c.5677G>A (p.Glu1893Lys)

Gene: PRKDC (protein kinase, DNA-activated, catalytic subunit; minus strand). Cytogenetic location: 8q11.21.
Variant type: single nucleotide variant.
Coding change: c.5677G>A on transcript NM_006904.7 (MANE Select); coding-DNA position 5677, G replaced by A.
Protein change: p.Glu1893Lys; replaces glutamic acid 1893 with lysine.
Molecular consequence: missense variant.
Genome position (GRCh38, 1-based): chr8:47,863,472, C>T on the plus strand (G>A on the coding strand, the complement: PRKDC is on the minus strand). VCF-style: chr8-47863472-C-T. GRCh37 (hg19) VCF-style: chr8-48776033-C-T.
Other names: c.5677G>A, p.Glu1893Lys (NM_001081640.2); short protein forms E1893K.
Identifiers: ClinVar variation 2955100 (VCV002955100.3), dbSNP rs2088724799, ClinGen allele CA371163017.

ClinVar aggregate classification (germline): Uncertain significance (1 of 4 stars; one submission).

Conditions:
Severe combined immunodeficiency due to DNA-PKcs deficiency. Also called: IMMUNODEFICIENCY 26 WITH NEUROLOGIC ABNORMALITIES; Immunodeficiency 26 with or without neurologic abnormalities. Identifiers: Orphanet 317425, MedGen C4014833, MONDO:0014423, OMIM 615966.

Allele frequency attached by ClinVar (database versions not stated): gnomAD 0.00001; TOPMed 0.00001.
gnomAD v4.1: 1 of 1,611,938 alleles (0.000062%); no homozygotes.

Submission:

Labcorp Genetics (formerly Invitae), Labcorp
Classification: Uncertain significance for Severe combined immunodeficiency due to DNA-PKcs deficiency. Last evaluated: 2023-07-07. Review status: criteria provided, single submitter. Criteria: Invitae Variant Classification Sherloc (09022015). Collection method: clinical testing. Allele origin: germline.
Comment: In summary, the available evidence is currently insufficient to determine the role of this variant in disease. Therefore, it has been classified as a Variant of Uncertain Significance. Advanced modeling of protein sequence and biophysical properties (such as structural, functional, and spatial information, amino acid conservation, physicochemical variation, residue mobility, and thermodynamic stability) has been performed at Invitae for this missense variant, however the output from this modeling did not meet the statistical confidence thresholds required to predict the impact of this variant on PRKDC protein function. This variant has not been reported in the literature in individuals affected with PRKDC-related conditions. This variant is not present in population databases (gnomAD no frequency). This sequence change replaces glutamic acid, which is acidic and polar, with lysine, which is basic and polar, at codon 1893 of the PRKDC protein (p.Glu1893Lys).